The following is an entry in ClinVar:

NM_000426.4(LAMA2):c.6801_6802del (p.Tyr2268fs)

Gene: LAMA2 (laminin subunit alpha 2; plus strand). Cytogenetic location: 6q22.33.
Variant type: Deletion.
Coding change: c.6801_6802del on transcript NM_000426.4 (MANE Select); coding-DNA positions 6801 to 6802, 2 bases deleted (GT; older notation c.6801_6802delGT).
Protein change: p.Tyr2268fs; shifts the reading frame from tyrosine 2268.
Molecular consequence: frameshift variant.
Genome position (GRCh38, 1-based): chr6:129,456,428-129,456,429, GT deleted. VCF-style (leftmost placement, unchanged base first): chr6-129456427-GGT-G. GRCh37 (hg19) VCF-style: chr6-129777572-GGT-G.
Other names: c.6801_6802del, p.Tyr2268fs (NM_001079823.2); short protein forms Y2268fs.
Identifiers: ClinVar variation 2091508 (VCV002091508.4), dbSNP rs2533424883, ClinGen allele CA2580074956.

ClinVar aggregate classification (germline): Pathogenic (1 of 4 stars; one submission).

Conditions:
LAMA2-related muscular dystrophy (LAMA2-RD). Also called: Laminin alpha 2-related dystrophy. Identifiers: MedGen C5679788, MONDO:0100228.

Submission:

Labcorp Genetics (formerly Invitae), Labcorp
Classification: Pathogenic for LAMA2-related muscular dystrophy. Last evaluated: 2022-02-10. Review status: criteria provided, single submitter. Criteria: Invitae Variant Classification Sherloc (09022015). Collection method: clinical testing. Allele origin: germline.
Comment: This sequence change creates a premature translational stop signal (p.Tyr2268Hisfs*24) in the LAMA2 gene. It is expected to result in an absent or disrupted protein product. Loss-of-function variants in LAMA2 are known to be pathogenic (PMID: 18700894, 32904964). This variant is not present in population databases (gnomAD no frequency). This variant has not been reported in the literature in individuals affected with LAMA2-related conditions. For these reasons, this variant has been classified as Pathogenic.

Literature cited by the submitters: PubMed 18700894; PubMed 32904964.